The following is an entry in ClinVar:

ClinVar aggregate classification (germline): Uncertain significance. Review status: criteria provided, multiple submitters, no conflicts (2 of 4 stars). 9 submissions from 9 submitters: Uncertain significance (9). Last evaluated 2026-03-10.

Conditions:
Gnathodiaphyseal dysplasia (GDD). Also called: GNATHODIAPHYSEAL SCLEROSIS; OSTEOGENESIS IMPERFECTA WITH UNUSUAL SKELETAL LESIONS. Identifiers: Orphanet 53697, MedGen C1833736, MONDO:0008151, OMIM 166260.
Autosomal recessive limb-girdle muscular dystrophy type 2L (LGMDR12). Also called: MUSCULAR DYSTROPHY, LIMB-GIRDLE, AUTOSOMAL RECESSIVE 12; Limb-girdle muscular dystrophy, type 2L; Limb-Girdle Muscular Dystrophy R12 Anoctamin-5-Related (LGMD-R12). Identifiers: Orphanet 206549, MedGen C1969785, MONDO:0012652, OMIM 611307.
ANO5-related disorder. Also called: ANO5-related disorders; ANO5-related condition. Identifiers: MedGen CN239193.

Allele frequency attached by ClinVar (database versions not stated): TOPMed 0.00015; gnomAD 0.00041; 1000 Genomes Project 0.00120; 1000 Genomes Project 30x 0.00156.
gnomAD v4.1: 100 of 1,614,042 alleles (0.0062%); highest among the groups gnomAD compares: Admixed American, 0.14%; 1 homozygote.

Submissions (9):

PreventionGenetics, part of Exact Sciences
Classification: Uncertain significance for ANO5-related condition. Last evaluated: 2026-03-10. Review status: criteria provided, single submitter. Criteria: ACMG Guidelines, 2015. Collection method: clinical testing. Allele origin: germline.
Comment: The ANO5 c.1563G>T variant is predicted to result in the amino acid substitution p.Leu521Phe. This variant was reported as a variant of uncertain significance in the heterozygous state an individual with limb girdle muscular dystrophy (Supp. Table 7, Nallamilli et al. 2018. PubMed ID: 30564623). This variant is reported in 0.026% of alleles in individuals of Latino descent in gnomAD. At this time, the clinical significance of this variant is uncertain due to the absence of conclusive functional and genetic evidence.

Labcorp Genetics (formerly Invitae), Labcorp
Classification: Uncertain significance for Autosomal recessive limb-girdle muscular dystrophy type 2L; Gnathodiaphyseal dysplasia. Last evaluated: 2026-01-20. Review status: criteria provided, single submitter. Criteria: Invitae Variant Classification Sherloc (09022015). Collection method: clinical testing. Allele origin: germline.
Comment: This sequence change replaces leucine, which is neutral and non-polar, with phenylalanine, which is neutral and non-polar, at codon 521 of the ANO5 protein (p.Leu521Phe). This variant is present in population databases (rs190937193, gnomAD 0.03%). This missense change has been observed in individual(s) with clinical features of ANO5-related conditions (PMID: 30564623). ClinVar contains an entry for this variant (Variation ID: 282165). Invitae Evidence Modeling of protein sequence and biophysical properties (such as structural, functional, and spatial information, amino acid conservation, physicochemical variation, residue mobility, and thermodynamic stability) has been performed for this missense variant. However, the output from this modeling did not meet the statistical confidence thresholds required to predict the impact of this variant on ANO5 protein function. In summary, the available evidence is currently insufficient to determine the role of this variant in disease. Therefore, it has been classified as a Variant of Uncertain Significance.

Mayo Clinic Laboratories, Mayo Clinic
Classification: Uncertain significance. Last evaluated: 2023-12-28. Review status: criteria provided, single submitter. Criteria: ACMG Guidelines, 2015. Collection method: clinical testing. Allele origin: germline. Observed: 1 variant allele.

Revvity Omics, Revvity
Classification: Uncertain significance. Last evaluated: 2023-10-26. Review status: criteria provided, single submitter. Criteria: ACMG Guidelines, 2015. Collection method: clinical testing. Allele origin: germline.

Blueprint Genetics
Classification: Uncertain significance. Last evaluated: 2022-10-24. Review status: criteria provided, single submitter. Criteria: ACMG Guidelines, 2015. Collection method: clinical testing. Allele origin: germline.

Athena Diagnostics
Classification: Uncertain significance. Last evaluated: 2022-03-10. Review status: criteria provided, single submitter. Criteria: Athena Diagnostics Criteria. Collection method: clinical testing. Allele origin: unknown.

GeneDx
Classification: Uncertain significance. Last evaluated: 2020-12-21. Review status: criteria provided, single submitter. Criteria: GeneDx Variant Classification Process June 2021. Collection method: clinical testing. Allele origin: germline. Affected: yes.
Comment: In silico analysis supports that this missense variant has a deleterious effect on protein structure/function; Observed in individual with limb girdle muscular dystrophy; however, no further clinical information was provided (Nallamilli et al., 2018); This variant is associated with the following publications: (PMID: 30564623)

Eurofins Ntd Llc (ga)
Classification: Uncertain significance. Last evaluated: 2018-06-13. Review status: criteria provided, single submitter. Criteria: EGL ClinVar v180209 classification definitions. Collection method: clinical testing. Allele origin: germline. Observed: 12 variant alleles, 12 heterozygotes.

Baylor Genetics
Classification: Uncertain significance for Gnathodiaphyseal dysplasia. Last evaluated: 2018-05-18. Review status: criteria provided, single submitter. Criteria: ACMG Guidelines, 2015. Collection method: clinical testing. Allele origin: paternal. Affected: yes.
Comment: This variant was determined to be of uncertain significance according to ACMG Guidelines, 2015 [PMID:25741868].

Literature cited by the submitters: PubMed 30564623 (cited by 3 submitters).

NM_213599.3(ANO5):c.1563G>T (p.Leu521Phe)

Gene: ANO5 (anoctamin 5; plus strand). Cytogenetic location: 11p14.3.
Variant type: single nucleotide variant.
Coding change: c.1563G>T on transcript NM_213599.3 (MANE Select); coding-DNA position 1563, G replaced by T.
Protein change: p.Leu521Phe; replaces leucine 521 with phenylalanine.
Molecular consequence: missense variant.
Genome position (GRCh38, 1-based): chr11:22,259,674, G>T. VCF-style: chr11-22259674-G-T. GRCh37 (hg19) VCF-style: chr11-22281220-G-T.
Other names: p.Leu521Phe; c.1560G>T, p.Leu520Phe (NM_001142649.2); short protein forms L521F, L520F.
Identifiers: ClinVar variation 282165 (VCV000282165.23), dbSNP rs190937193, ClinGen allele CA5923282.